The following is an entry in ClinVar:

ClinVar aggregate classification (germline): Uncertain significance (1 of 4 stars; one submission).

gnomAD v4.1: 2 of 1,590,064 alleles (0.00013%); highest among the groups gnomAD compares: Non-Finnish European, 0.00017%; no homozygotes.

Submission:

GeneDx
Classification: Uncertain significance. Last evaluated: 2022-10-13. Review status: criteria provided, single submitter. Criteria: GeneDx Variant Classification Process June 2021. Collection method: clinical testing. Allele origin: germline.
Comment: Not observed at significant frequency in large population cohorts (gnomAD); In silico analysis supports that this missense variant does not alter protein structure/function; Has not been previously published as pathogenic or benign to our knowledge

NM_007327.4(GRIN1):c.5G>A (p.Ser2Asn)

Gene: GRIN1 (glutamate ionotropic receptor NMDA type subunit 1; plus strand). Cytogenetic location: 9q34.3.
Variant type: single nucleotide variant.
Coding change: c.5G>A on transcript NM_007327.4 (MANE Select); coding-DNA position 5, G replaced by A.
Protein change: p.Ser2Asn; replaces serine 2 with asparagine.
Molecular consequence: missense variant.
Genome position (GRCh38, 1-based): chr9:137,139,491, G>A. VCF-style: chr9-137139491-G-A. GRCh37 (hg19) VCF-style: chr9-140033943-G-A.
Other names: c.5G>A, p.Ser2Asn (NM_000832.7, NM_001185090.2, NM_001185091.2 and 1 more transcripts); short protein forms S2N.
Identifiers: ClinVar variation 1703385 (VCV001703385.3), dbSNP rs1832047745, ClinGen allele CA375712933.